The following is an entry in ClinVar:

ClinVar aggregate classification (germline): Uncertain significance (1 of 4 stars; one submission).

Allele frequency attached by ClinVar (database versions not stated): gnomAD 0.00001 and 0.00003; TOPMed 0.00002; 1000 Genomes Project 0.00040; 1000 Genomes Project 30x 0.00047.
gnomAD v4.1: 45 of 1,613,954 alleles (0.0028%); highest among the groups gnomAD compares: East Asian, 0.036%; no homozygotes.

Submission:

Labcorp Genetics (formerly Invitae), Labcorp
Classification: Uncertain significance. Last evaluated: 2025-10-26. Review status: criteria provided, single submitter. Criteria: Invitae Variant Classification Sherloc (09022015). Collection method: clinical testing. Allele origin: germline.
Comment: This sequence change replaces proline, which is neutral and non-polar, with threonine, which is neutral and polar, at codon 867 of the ADGRA3 protein (p.Pro867Thr). This variant is present in population databases (rs374755307, gnomAD 0.02%). This variant has not been reported in the literature in individuals affected with ADGRA3-related conditions. ClinVar contains an entry for this variant (Variation ID: 935973). An algorithm developed to predict the effect of missense changes on protein structure and function (PolyPhen-2) suggests that this variant is likely to be disruptive. In summary, the available evidence is currently insufficient to determine the role of this variant in disease. Therefore, it has been classified as a Variant of Uncertain Significance.

NM_145290.4(ADGRA3):c.2599C>A (p.Pro867Thr)

Gene: ADGRA3 (adhesion G protein-coupled receptor A3; minus strand). Cytogenetic location: 4p15.2.
Variant type: single nucleotide variant.
Coding change: c.2599C>A on transcript NM_145290.4 (MANE Select); coding-DNA position 2599, C replaced by A.
Protein change: p.Pro867Thr; replaces proline 867 with threonine.
Molecular consequence: missense variant.
Genome position (GRCh38, 1-based): chr4:22,392,573, G>T on the plus strand (C>A on the coding strand, the complement: ADGRA3 is on the minus strand). VCF-style: chr4-22392573-G-T. GRCh37 (hg19) VCF-style: chr4-22394196-G-T.
Other names: short protein forms P867T.
Identifiers: ClinVar variation 935973 (VCV000935973.10), dbSNP rs374755307, ClinGen allele CA2873591.